The following is an entry in ClinVar:

ClinVar aggregate classification (germline): Uncertain significance (1 of 4 stars; one submission).

Allele frequency attached by ClinVar (database versions not stated): gnomAD 0.00001.
gnomAD v4.1: 1 of 1,613,942 alleles (0.000062%); highest among the groups gnomAD compares: Non-Finnish European, 0.000085%; no homozygotes.

Submission:

Labcorp Genetics (formerly Invitae), Labcorp
Classification: Uncertain significance. Last evaluated: 2024-02-24. Review status: criteria provided, single submitter. Criteria: Invitae Variant Classification Sherloc (09022015). Collection method: clinical testing. Allele origin: germline.
Comment: This sequence change falls in intron 13 of the CDHR1 gene. It does not directly change the encoded amino acid sequence of the CDHR1 protein. It affects a nucleotide within the consensus splice site. This variant is present in population databases (no rsID available, gnomAD 0.007%). This variant has not been reported in the literature in individuals affected with CDHR1-related conditions. ClinVar contains an entry for this variant (Variation ID: 1465088). Variants that disrupt the consensus splice site are a relatively common cause of aberrant splicing (PMID: 17576681, 9536098). Algorithms developed to predict the effect of sequence changes on RNA splicing suggest that this variant is not likely to affect RNA splicing. In summary, the available evidence is currently insufficient to determine the role of this variant in disease. Therefore, it has been classified as a Variant of Uncertain Significance.

Literature cited by the submitters: PubMed 17576681; PubMed 9536098.

NM_033100.4(CDHR1):c.1486-3C>T

Gene: CDHR1 (cadherin related family member 1; plus strand). Cytogenetic location: 10q23.1.
Variant type: single nucleotide variant.
Coding change: c.1486-3C>T on transcript NM_033100.4 (MANE Select); 3 bases into the intron before coding-DNA position 1486, C replaced by T.
Molecular consequence: intron variant.
Genome position (GRCh38, 1-based): chr10:84,211,645, C>T. VCF-style: chr10-84211645-C-T. GRCh37 (hg19) VCF-style: chr10-85971401-C-T.
Other names: c.1486-3C>T (NM_001171971.3).
Identifiers: ClinVar variation 1465088 (VCV001465088.6), dbSNP rs1384765131, ClinGen allele CA594737217.